The following is an entry in ClinVar:

NM_024426.6(WT1):c.1317_1318insAGGT (p.Ser440fs)

Gene: WT1 (WT1 transcription factor; minus strand). Cytogenetic location: 11p13.
Variant type: Insertion.
Coding change: c.1317_1318insAGGT on transcript NM_024426.6 (MANE Select); coding-DNA positions 1317 to 1318, AGGT inserted.
Protein change: p.Ser440fs; shifts the reading frame from serine 440.
Molecular consequence: frameshift variant. On other transcripts: non-coding transcript variant (2), intron variant (1).
Genome position: GRCh38 VCF-style: chr11-32392702-A-AACCT. GRCh37 (hg19) VCF-style: chr11-32414248-A-AACCT.
Other names: c.1266_1267insAGGT, p.Ser423fs (NM_000378.6, NM_001407045.1, NM_001407049.1); c.666_667insAGGT, p.Ser223fs (NM_001198551.2); c.615_616insAGGT, p.Ser206fs (NM_001198552.2); c.129_130insAGGT, p.Ser44fs (NM_001367854.1); c.1311_1312insAGGT, p.Ser438fs (NM_001407044.1); c.1317_1318insAGGT, p.Ser440fs (NM_001407046.1, NM_024424.5); c.1194_1195insAGGT, p.Ser399fs (NM_001407047.1); c.1143_1144insAGGT, p.Ser382fs (NM_001407050.1); and 4 more; short protein forms S186fs, S206fs, S223fs, S350fs, S367fs, S382fs, S399fs, S423fs.
Identifiers: ClinVar variation 3773865 (VCV003773865.1).

ClinVar aggregate classification (germline): Likely pathogenic (1 of 4 stars; one submission).

Conditions:
WT1-related disorder. Also called: WT1-related disorders. Identifiers: MedGen CN377814.

Submission:

Rady Children's Institute for Genomic Medicine, Rady Children's Hospital San Diego
Classification: Likely pathogenic for WT1-Related Disorders. Last evaluated: 2024-02-16. Review status: criteria provided, single submitter. Criteria: ACMG Guidelines, 2015. Collection method: clinical testing. Allele origin: unknown. Affected: yes.
Comment: This frameshifting variant in exon 9 of 10 is predicted to result in loss of normal protein function through either protein truncation or nonsense-mediated mRNA decay. Loss-of-function variation in WT1 is an established mechanism of disease (PMID: 32352694). This variant has not been previously reported or functionally characterized in the literature to our knowledge. Heterozygous frameshift WT1 variations have been reported in T-cell lymphoblastic lymphoma tumor samples (PMID: 35685993, 36000950). The c.1302_1303insAGGT (p.Ser435ArgfsTer21) variant is absent from the gnomAD population database and thus is presumed to be rare. Based on the available evidence, c.1302_1303insAGGT (p.Ser435ArgfsTer21) is classified as Likely Pathogenic.